The following is an entry in ClinVar:

ClinVar aggregate classification (germline): Uncertain significance (1 of 4 stars; one submission).

Conditions:
Heterotaxy, visceral, 4, autosomal (HTX4). Identifiers: Orphanet 450, MedGen C3151057, MONDO:0013403, OMIM 613751.

Submission:

Labcorp Genetics (formerly Invitae), Labcorp
Classification: Uncertain significance for Heterotaxy, visceral, 4, autosomal. Last evaluated: 2021-11-19. Review status: criteria provided, single submitter. Criteria: Invitae Variant Classification Sherloc (09022015). Collection method: clinical testing. Allele origin: germline.
Comment: This sequence change replaces alanine, which is neutral and non-polar, with valine, which is neutral and non-polar, at codon 7 of the ACVR2B protein (p.Ala7Val). This variant is not present in population databases (gnomAD no frequency). This variant has not been reported in the literature in individuals affected with ACVR2B-related conditions. Advanced modeling of protein sequence and biophysical properties (such as structural, functional, and spatial information, amino acid conservation, physicochemical variation, residue mobility, and thermodynamic stability) performed at Invitae indicates that this missense variant is not expected to disrupt ACVR2B protein function. In summary, the available evidence is currently insufficient to determine the role of this variant in disease. Therefore, it has been classified as a Variant of Uncertain Significance.

NM_001106.4(ACVR2B):c.20C>T (p.Ala7Val)

Genes: ACVR2B (activin A receptor type 2B; plus strand), ACVR2B-AS1 (ACVR2B antisense RNA 1; minus strand), LOC129936486 (ATAC-STARR-seq lymphoblastoid silent region 14212; plus strand). Cytogenetic location: 3p22.2.
Variant type: single nucleotide variant.
Coding change: c.20C>T on transcript NM_001106.4 (MANE Select); coding-DNA position 20, C replaced by T.
Protein change: p.Ala7Val; replaces alanine 7 with valine.
Molecular consequence: missense variant.
Genome position (GRCh38, 1-based): chr3:38,454,342, C>T. VCF-style: chr3-38454342-C-T. GRCh37 (hg19) VCF-style: chr3-38495833-C-T.
Other names: short protein forms A7V.
Identifiers: ClinVar variation 1479613 (VCV001479613.6), dbSNP rs1709503298, ClinGen allele CA352120617.